The following is an entry in ClinVar:

ClinVar aggregate classification (germline): Uncertain significance. Review status: criteria provided, multiple submitters, no conflicts (2 of 4 stars). 2 submissions from 2 submitters: Uncertain significance (2). Last evaluated 2026-06-09.

Conditions:
Cardiovascular phenotype. Identifiers: MedGen CN230736.
Distal myopathy with posterior leg and anterior hand involvement. Also called: WILLIAMS DISTAL MYOPATHY. Identifiers: Orphanet 63273, MedGen C3279722, MONDO:0013550, OMIM 614065.
Myofibrillar myopathy 5. Also called: Filaminopathy (type); FILAMINOPATHY, AUTOSOMAL DOMINANT. Identifiers: Orphanet 171445, MedGen C1836050, MONDO:0012289, OMIM 609524.
Hypertrophic cardiomyopathy 26. Also called: Cardiomyopathy, familial hypertrophic, 26. Identifiers: Orphanet 75249, MedGen C4310749, MONDO:0014883, OMIM 617047.

Submissions (2):

Ambry Genetics
Classification: Uncertain significance for Cardiovascular phenotype. Last evaluated: 2026-06-09. Review status: criteria provided, single submitter. Criteria: Ambry Variant Classification Scheme 2023. Collection method: clinical testing. Allele origin: germline.
Comment: The p.F1135L variant (also known as c.3405T>G), located in coding exon 21 of the FLNC gene, results from a T to G substitution at nucleotide position 3405. The phenylalanine at codon 1135 is replaced by leucine, an amino acid with highly similar properties. This amino acid position is conserved. In addition, the in silico prediction for this alteration is inconclusive. Based on the available evidence, the clinical significance of this variant remains unclear.

Labcorp Genetics (formerly Invitae), Labcorp
Classification: Uncertain significance for Distal myopathy with posterior leg and anterior hand involvement; Myofibrillar myopathy 5; Hypertrophic cardiomyopathy 26. Last evaluated: 2023-01-14. Review status: criteria provided, single submitter. Criteria: Invitae Variant Classification Sherloc (09022015). Collection method: clinical testing. Allele origin: germline.
Comment: In summary, the available evidence is currently insufficient to determine the role of this variant in disease. Therefore, it has been classified as a Variant of Uncertain Significance. Advanced modeling of protein sequence and biophysical properties (such as structural, functional, and spatial information, amino acid conservation, physicochemical variation, residue mobility, and thermodynamic stability) has been performed at Invitae for this missense variant, however the output from this modeling did not meet the statistical confidence thresholds required to predict the impact of this variant on FLNC protein function. This variant has not been reported in the literature in individuals affected with FLNC-related conditions. This variant is not present in population databases (gnomAD no frequency). This sequence change replaces phenylalanine, which is neutral and non-polar, with leucine, which is neutral and non-polar, at codon 1135 of the FLNC protein (p.Phe1135Leu).

NM_001458.5(FLNC):c.3405T>G (p.Phe1135Leu)

Gene: FLNC (filamin C; plus strand). Cytogenetic location: 7q32.1.
Variant type: single nucleotide variant.
Coding change: c.3405T>G on transcript NM_001458.5 (MANE Select); coding-DNA position 3405, T replaced by G.
Protein change: p.Phe1135Leu; replaces phenylalanine 1135 with leucine.
Molecular consequence: missense variant.
Genome position (GRCh38, 1-based): chr7:128,844,870, T>G. VCF-style: chr7-128844870-T-G. GRCh37 (hg19) VCF-style: chr7-128484924-T-G.
Other names: c.3405T>G, p.Phe1135Leu (NM_001127487.2); short protein forms F1135L.
Identifiers: ClinVar variation 2943186 (VCV002943186.4), dbSNP rs775337940, ClinGen allele CA369196765.